The following is an entry in ClinVar:

NM_018012.4(KIF26B):c.3881C>T (p.Ser1294Leu)

Gene: KIF26B (kinesin family member 26B; plus strand). Cytogenetic location: 1q44.
Variant type: single nucleotide variant.
Coding change: c.3881C>T on transcript NM_018012.4 (MANE Select); coding-DNA position 3881, C replaced by T.
Protein change: p.Ser1294Leu; replaces serine 1294 with leucine.
Molecular consequence: missense variant.
Genome position (GRCh38, 1-based): chr1:245,686,864, C>T. VCF-style: chr1-245686864-C-T. GRCh37 (hg19) VCF-style: chr1-245850166-C-T.
Other names: short protein forms S1294L.
Identifiers: ClinVar variation 708314 (VCV000708314.6), dbSNP rs201987019, ClinGen allele CA1488354.

ClinVar aggregate classification (germline): Likely benign. Review status: criteria provided, multiple submitters, no conflicts (2 of 4 stars). 3 submissions from 3 submitters: Likely benign (2). 1 of the submissions does not count toward it. Last evaluated 2019-01-01.

Conditions:
KIF26B-related disorder. Also called: KIF26B-related condition.

Allele frequency attached by ClinVar (database versions not stated): 1000 Genomes Project 0.00020; 1000 Genomes Project 30x 0.00031; gnomAD exomes 0.00120 and 0.00185; ExAC 0.00125; gnomAD 0.00127 and 0.00132; TOPMed 0.00143; ESP Exome Variant Server 0.00189.
gnomAD v4.1: 2,849 of 1,613,550 alleles (0.18%); highest among the groups gnomAD compares: Middle Eastern, 0.26%; 5 homozygotes.

Submissions (3):

Labcorp Genetics (formerly Invitae), Labcorp
Classification: Likely benign. Last evaluated: 2019-01-01. Review status: criteria provided, single submitter. Criteria: Invitae Variant Classification Sherloc (09022015). Collection method: clinical testing. Allele origin: germline.

Breakthrough Genomics
Classification: Likely benign. Review status: criteria provided, single submitter. Criteria: ACMG Guidelines, 2015. Collection method: not provided. Allele origin: germline. Inheritance: Unknown mechanism. Affected: yes.

PreventionGenetics, part of Exact Sciences
Classification: Likely benign for KIF26B-related condition. Last evaluated: 2020-10-02. Review status: no assertion criteria provided. Collection method: clinical testing. Allele origin: germline. Not counted in ClinVar's aggregate classification.
Comment: This variant is classified as likely benign based on ACMG/AMP sequence variant interpretation guidelines (Richards et al. 2015 PMID: 25741868, with internal and published modifications).